The following is an entry in ClinVar:

ClinVar aggregate classification (germline): Uncertain significance. Review status: criteria provided, multiple submitters, no conflicts (2 of 4 stars). 2 submissions from 2 submitters: Uncertain significance (2). Last evaluated 2023-09-13.

Conditions:
Familial adenomatous polyposis 1 (FAP1). Also called: POLYPOSIS, ADENOMATOUS INTESTINAL; FAMILIAL ADENOMATOUS POLYPOSIS 1, ATTENUATED. Identifiers: MedGen C2713442, MONDO:0021056, OMIM 175100. Disease mechanism: loss of function.
Hereditary cancer-predisposing syndrome. Also called: Hereditary neoplastic syndrome; Neoplastic Syndromes, Hereditary; Tumor predisposition; Hereditary Cancer Syndrome. Identifiers: Orphanet 140162, MedGen C0027672, MeSH D009386, MONDO:0015356.

Submissions (2):

Ambry Genetics
Classification: Uncertain significance for Hereditary cancer-predisposing syndrome. Last evaluated: 2023-09-13. Review status: criteria provided, single submitter. Criteria: Ambry Variant Classification Scheme 2023. Collection method: clinical testing. Allele origin: germline.
Comment: The p.N1124S variant (also known as c.3371A>G), located in coding exon 15 of the APC gene, results from an A to G substitution at nucleotide position 3371. The asparagine at codon 1124 is replaced by serine, an amino acid with highly similar properties. This amino acid position is conserved. In addition, in silico predictors for this gene do not accurately predict pathogenicity. Since supporting evidence is limited at this time, the clinical significance of this alteration remains unclear.

Labcorp Genetics (formerly Invitae), Labcorp
Classification: Uncertain significance for Familial adenomatous polyposis 1. Last evaluated: 2022-02-08. Review status: criteria provided, single submitter. Criteria: Invitae Variant Classification Sherloc (09022015). Collection method: clinical testing. Allele origin: germline.
Comment: This sequence change replaces asparagine, which is neutral and polar, with serine, which is neutral and polar, at codon 1124 of the APC protein (p.Asn1124Ser). This variant is not present in population databases (gnomAD no frequency). This variant has not been reported in the literature in individuals affected with APC-related conditions. ClinVar contains an entry for this variant (Variation ID: 469920). Algorithms developed to predict the effect of missense changes on protein structure and function (SIFT, PolyPhen-2, Align-GVGD) all suggest that this variant is likely to be tolerated. In summary, the available evidence is currently insufficient to determine the role of this variant in disease. Therefore, it has been classified as a Variant of Uncertain Significance.

NM_000038.6(APC):c.3371A>G (p.Asn1124Ser)

Gene: APC (APC regulator of Wnt signaling pathway; plus strand). Cytogenetic location: 5q22.2.
Variant type: single nucleotide variant.
Coding change: c.3371A>G on transcript NM_000038.6 (MANE Select); coding-DNA position 3371, A replaced by G.
Protein change: p.Asn1124Ser; replaces asparagine 1124 with serine.
Molecular consequence: missense variant.
Genome position (GRCh38, 1-based): chr5:112,838,965, A>G. VCF-style: chr5-112838965-A-G. GRCh37 (hg19) VCF-style: chr5-112174662-A-G.
Other names: c.3371A>G, p.Asn1124Ser (NM_001127510.3, NM_001354895.2); c.3317A>G, p.Asn1106Ser (NM_001127511.3); c.3425A>G, p.Asn1142Ser (NM_001354896.2); c.3401A>G, p.Asn1134Ser (NM_001354897.2); c.3296A>G, p.Asn1099Ser (NM_001354898.2); c.3287A>G, p.Asn1096Ser (NM_001354899.2); c.3248A>G, p.Asn1083Ser (NM_001354900.2); c.3194A>G, p.Asn1065Ser (NM_001354901.2); and 5 more; short protein forms N1106S, N1124S, N1033S, N1142S, N1023S, N1065S, N1099S, N841S.
Identifiers: ClinVar variation 469920 (VCV000469920.11), dbSNP rs1554084970, ClinGen allele CA16028720.
Genomic context (GRCh38, chr5:112,838,965, plus strand): 5'-CACGGGGAGCCAATGGTTCAGAAACAAATCGAGTGGGTTCTAATCATGGAATTAATCAAA[A>G]TGTAAGCCAGTCTTTGTGTCAAGAAGATGACTATGAAGATGATAAGCCTACCAATTATAG-3'
Protein context (NP_000029.2, residues 1114-1134): RVGSNHGINQ[Asn1124Ser]VSQSLCQEDD